The following is an entry in ClinVar:

NM_153252.5(BRWD3):c.4207G>A (p.Ala1403Thr)

Gene: BRWD3 (bromodomain and WD repeat domain containing 3; minus strand). Cytogenetic location: Xq21.1.
Variant type: single nucleotide variant.
Coding change: c.4207G>A on transcript NM_153252.5 (MANE Select); coding-DNA position 4207, G replaced by A.
Protein change: p.Ala1403Thr; replaces alanine 1403 with threonine.
Molecular consequence: missense variant.
Genome position (GRCh38, 1-based): chrX:80,684,036, C>T on the plus strand (G>A on the coding strand, the complement: BRWD3 is on the minus strand). VCF-style: chrX-80684036-C-T. GRCh37 (hg19) VCF-style: chrX-79939535-C-T.
Other names: short protein forms A1403T.
Identifiers: ClinVar variation 3896623 (VCV003896623.2).

ClinVar aggregate classification (germline): Uncertain significance (1 of 4 stars; one submission).

gnomAD v4.1: 3 of 1,208,671 alleles (0.00025%); highest among the groups gnomAD compares: Non-Finnish European, 0.00022%; no homozygotes.

Submission:

Women's Health and Genetics/Laboratory Corporation of America, LabCorp
Classification: Uncertain significance. Last evaluated: 2025-04-30. Review status: criteria provided, single submitter. Criteria: LabCorp Variant Classification Summary - May 2015. Collection method: clinical testing. Allele origin: germline.
Comment: Variant summary: BRWD3 c.4207G>A (p.Ala1403Thr) results in a non-conservative amino acid change in the encoded protein sequence. Three of five in-silico tools predict a damaging effect of the variant on protein function. The variant allele was found at a frequency of 5.5e-06 in 182662 control chromosomes. The available data on variant occurrences in the general population are insufficient to allow any conclusion about variant significance. To our knowledge, no occurrence of c.4207G>A in individuals affected with Intellectual Disability, X-Linked 93 and no experimental evidence demonstrating its impact on protein function have been reported. No submitters have cited clinical-significance assessments for this variant to ClinVar. Based on the evidence outlined above, the variant was classified as uncertain significance.